The following is an entry in ClinVar:

NM_001165963.4(SCN1A):c.2588T>G (p.Leu863Trp)

Gene: SCN1A (sodium voltage-gated channel alpha subunit 1; minus strand). Cytogenetic location: 2q24.3.
Variant type: single nucleotide variant.
Coding change: c.2588T>G on transcript NM_001165963.4 (MANE Select); coding-DNA position 2588, T replaced by G.
Protein change: p.Leu863Trp; replaces leucine 863 with tryptophan.
Molecular consequence: missense variant. On other transcripts: non-coding transcript variant (1).
Genome position (GRCh38, 1-based): chr2:166,039,424, A>C on the plus strand (T>G on the coding strand, the complement: SCN1A is on the minus strand). VCF-style: chr2-166039424-A-C. GRCh37 (hg19) VCF-style: chr2-166895934-A-C.
Other names: c.2504T>G, p.Leu835Trp (NM_001165964.3, NM_001353957.2, NM_001353958.2); c.2588T>G, p.Leu863Trp (NM_001202435.3, NM_001353948.2); c.2555T>G, p.Leu852Trp (NM_001353949.2, NM_001353950.2, NM_001353951.2 and 2 more transcripts); c.2552T>G, p.Leu851Trp (NM_001353954.2, NM_001353955.2); c.2501T>G, p.Leu834Trp (NM_001353960.2); c.146T>G, p.Leu49Trp (NM_001353961.2); short protein forms L852W, L863W, L834W, L835W, L851W, L49W.
Identifiers: ClinVar variation 189863 (VCV000189863.1), dbSNP rs794726712, ClinGen allele CA303139.

ClinVar aggregate classification (germline): Pathogenic (1 of 4 stars; one submission).

Conditions:
Severe myoclonic epilepsy in infancy (DRVT). Also called: Epileptic encephalopathy, early infantile, 6 (Dravet syndrome); SEVERE MYOCLONIC EPILEPSY OF INFANCY; DEVELOPMENTAL AND EPILEPTIC ENCEPHALOPATHY 6A; Severe Myoclonic Epilepsy in Infancy (SMEI); Dravet syndrome. Identifiers: Orphanet 33069, MedGen C0751122, MONDO:0100135, OMIM 607208.

Submission:

Center for Bioinformatics, Peking University
Classification: Pathogenic for Dravet syndrome. Last evaluated: 2014-12-20. Review status: criteria provided, single submitter. Criteria: Xu et al. (Hum Mutat. 2015). Collection method: research. Allele origin: de novo. Affected: yes. Observed: 1 variant allele. Study: University Clinical Cooperation “985 Project” PKU-2014-1-1.
Comment: Dravet syndrome (DS) probands were recruited from the outpatient and inpatient child neurology units of Peking University First Hospital from 2005 till present. The study was approved by the Ethics Committee of Peking University First Hospital and the Institutional Review Board at Peking University. Participants or their parents provided written informed consent before enrollment. We collected a total of 267 mutations from 255 families with probands diagnosed with DS in China. All probands fulfilled the clinical diagnostic criteria.